The following is an entry in ClinVar:

ClinVar aggregate classification (germline): Uncertain significance. Review status: criteria provided, multiple submitters, no conflicts (2 of 4 stars). 2 submissions from 2 submitters: Uncertain significance (2). Last evaluated 2026-01-31.

Conditions:
Hereditary cancer-predisposing syndrome. Also called: Neoplastic Syndromes, Hereditary; Hereditary neoplastic syndrome; Tumor predisposition; Hereditary Cancer Syndrome. Identifiers: Orphanet 140162, MedGen C0027672, MeSH D009386, MONDO:0015356.
EGFR-related lung cancer (EGFR). Identifiers: MedGen CN130014.

Allele frequency attached by ClinVar (database versions not stated): TOPMed below 0.00001.

Submissions (2):

Labcorp Genetics (formerly Invitae), Labcorp
Classification: Uncertain significance for EGFR-related lung cancer. Last evaluated: 2026-01-31. Review status: criteria provided, single submitter. Criteria: Invitae Variant Classification Sherloc (09022015). Collection method: clinical testing. Allele origin: germline.
Comment: This sequence change replaces threonine, which is neutral and polar, with alanine, which is neutral and non-polar, at codon 854 of the EGFR protein (p.Thr854Ala). This variant is not present in population databases (gnomAD no frequency). This variant has not been reported in the literature in individuals affected with EGFR-related conditions. ClinVar contains an entry for this variant (Variation ID: 1394709). An algorithm developed to predict the effect of missense changes on protein structure and function (PolyPhen-2) suggests that this variant is likely to be disruptive. In summary, the available evidence is currently insufficient to determine the role of this variant in disease. Therefore, it has been classified as a Variant of Uncertain Significance.

Ambry Genetics
Classification: Uncertain significance for Hereditary cancer-predisposing syndrome. Last evaluated: 2025-01-30. Review status: criteria provided, single submitter. Criteria: Ambry Variant Classification Scheme 2023. Collection method: clinical testing. Allele origin: germline.
Comment: The p.T854A variant (also known as c.2560A>G), located in coding exon 21 of the EGFR gene, results from an A to G substitution at nucleotide position 2560. The threonine at codon 854 is replaced by alanine, an amino acid with similar properties. This amino acid position is highly conserved in available vertebrate species. In addition, the in silico prediction for this alteration is inconclusive. Based on the available evidence, the clinical significance of this variant remains unclear.

NM_005228.5(EGFR):c.2560A>G (p.Thr854Ala)

Gene: EGFR (epidermal growth factor receptor; plus strand). Cytogenetic location: 7p11.2.
Variant type: single nucleotide variant.
Coding change: c.2560A>G on transcript NM_005228.5 (MANE Select); coding-DNA position 2560, A replaced by G.
Protein change: p.Thr854Ala; replaces threonine 854 with alanine.
Molecular consequence: missense variant.
Genome position (GRCh38, 1-based): chr7:55,191,809, A>G. VCF-style: chr7-55191809-A-G. GRCh37 (hg19) VCF-style: chr7-55259502-A-G.
Other names: c.2560A>G (NM_005228.3); c.2425A>G, p.Thr809Ala (NM_001346897.2, NM_001346899.2); c.2560A>G, p.Thr854Ala (NM_001346898.2); c.2401A>G, p.Thr801Ala (NM_001346900.2); c.1759A>G, p.Thr587Ala (NM_001346941.2); short protein forms T801A, T809A, T854A, T587A.
Identifiers: ClinVar variation 1394709 (VCV001394709.7), dbSNP rs1787408609, ClinGen allele CA367580249.